The following is an entry in ClinVar:

ClinVar aggregate classification (germline): Uncertain significance. Review status: criteria provided, single submitter (1 of 4 stars). 2 submissions from 2 submitters: Uncertain significance (1). 1 of the submissions does not count toward it. Last evaluated 2025-05-17.

Conditions:
KSR2-related disorder. Also called: KSR2-related condition.

gnomAD v4.1: 14 of 1,613,858 alleles (0.00087%); highest among the groups gnomAD compares: Middle Eastern, 0.016%; no homozygotes.

Submissions (2):

Ambry Genetics
Classification: Uncertain significance. Last evaluated: 2025-05-17. Review status: criteria provided, single submitter. Criteria: Ambry Variant Classification Scheme 2023. Collection method: clinical testing. Allele origin: germline.

PreventionGenetics, part of Exact Sciences
Classification: Uncertain significance for KSR2-related condition. Last evaluated: 2024-04-24. Review status: no assertion criteria provided. Collection method: clinical testing. Allele origin: germline. Not counted in ClinVar's aggregate classification.
Comment: The KSR2 c.1917C>G variant is predicted to result in the amino acid substitution p.Ile639Met. To our knowledge, this variant has not been reported in the literature. This variant is reported in 0.0039% of alleles in individuals of European (non-Finnish) descent in gnomAD. At this time, the clinical significance of this variant is uncertain due to the absence of conclusive functional and genetic evidence.

NM_173598.6(KSR2):c.2004C>G (p.Ile668Met)

Gene: KSR2 (kinase suppressor of ras 2; minus strand). Cytogenetic location: 12q24.22.
Variant type: single nucleotide variant.
Coding change: c.2004C>G on transcript NM_173598.6 (MANE Select); coding-DNA position 2004, C replaced by G.
Protein change: p.Ile668Met; replaces isoleucine 668 with methionine.
Molecular consequence: missense variant.
Genome position (GRCh38, 1-based): chr12:117,525,067, G>C on the plus strand (C>G on the coding strand, the complement: KSR2 is on the minus strand). VCF-style: chr12-117525067-G-C. GRCh37 (hg19) VCF-style: chr12-117962872-G-C.
Other names: short protein forms I668M.
Identifiers: ClinVar variation 3351277 (VCV003351277.2).